The following is an entry in ClinVar:

ClinVar aggregate classification (germline): Uncertain significance. Review status: criteria provided, multiple submitters, no conflicts (2 of 4 stars). 4 submissions from 4 submitters: Uncertain significance (4). Last evaluated 2025-06-26.

Conditions:
Cardiovascular phenotype. Identifiers: MedGen CN230736.
Hereditary cancer-predisposing syndrome. Also called: Tumor predisposition; Neoplastic Syndromes, Hereditary; Hereditary Cancer Syndrome; Hereditary neoplastic syndrome. Identifiers: Orphanet 140162, MedGen C0027672, MeSH D009386, MONDO:0015356.
Neurofibromatosis, type 1 (NF1). Also called: NEUROFIBROMATOSIS, TYPE I, SOMATIC; VON RECKLINGHAUSEN DISEASE; Neurofibromatosis, type I; Peripheral type neurofibromatosis. Identifiers: Orphanet 636, MedGen C0027831, MONDO:0018975, OMIM 162200. Disease mechanism: loss of function.

Allele frequency attached by ClinVar (database versions not stated): gnomAD 0.00001.

Submissions (4):

Ambry Genetics
Classification: Uncertain significance for Cardiovascular phenotype; Hereditary cancer-predisposing syndrome. Last evaluated: 2025-06-26. Review status: criteria provided, single submitter. Criteria: Ambry Variant Classification Scheme 2023. Collection method: clinical testing. Allele origin: germline.
Comment: The p.I1603V variant (also known as c.4807A>G), located in coding exon 36 of the NF1 gene, results from an A to G substitution at nucleotide position 4807. The isoleucine at codon 1603 is replaced by valine, an amino acid with highly similar properties. This amino acid position is highly conserved in available vertebrate species. In addition, the in silico prediction for this alteration is inconclusive. Based on the available evidence, the clinical significance of this variant remains unclear.

Labcorp Genetics (formerly Invitae), Labcorp
Classification: Uncertain significance for Neurofibromatosis, type 1. Last evaluated: 2024-03-01. Review status: criteria provided, single submitter. Criteria: Invitae Variant Classification Sherloc (09022015). Collection method: clinical testing. Allele origin: germline.
Comment: This sequence change replaces isoleucine, which is neutral and non-polar, with valine, which is neutral and non-polar, at codon 1603 of the NF1 protein (p.Ile1603Val). This variant is not present in population databases (gnomAD no frequency). This variant has not been reported in the literature in individuals affected with NF1-related conditions. ClinVar contains an entry for this variant (Variation ID: 485968). Advanced modeling of protein sequence and biophysical properties (such as structural, functional, and spatial information, amino acid conservation, physicochemical variation, residue mobility, and thermodynamic stability) has been performed at Invitae for this missense variant, however the output from this modeling did not meet the statistical confidence thresholds required to predict the impact of this variant on NF1 protein function. In summary, the available evidence is currently insufficient to determine the role of this variant in disease. Therefore, it has been classified as a Variant of Uncertain Significance.

GeneDx
Classification: Uncertain significance. Last evaluated: 2022-12-02. Review status: criteria provided, single submitter. Criteria: GeneDx Variant Classification Process June 2021. Collection method: clinical testing. Allele origin: germline. Affected: yes.
Comment: Not observed at significant frequency in large population cohorts (gnomAD); In silico analysis supports that this missense variant does not alter protein structure/function; Observed in an individual with AML (Aguirre-Ruiz et al., 2020); This variant is associated with the following publications: (PMID: 33255857)

Genome-Nilou Lab
Classification: Uncertain significance for Neurofibromatosis, type 1. Last evaluated: 2022-03-15. Review status: criteria provided, single submitter. Criteria: ACMG Guidelines, 2015. Collection method: clinical testing. Allele origin: germline. Affected: no.

NM_001042492.3(NF1):c.4870A>G (p.Ile1624Val)

Gene: NF1 (neurofibromin 1; plus strand). Cytogenetic location: 17q11.2.
Variant type: single nucleotide variant.
Coding change: c.4870A>G on transcript NM_001042492.3 (MANE Select); coding-DNA position 4870, A replaced by G.
Protein change: p.Ile1624Val; replaces isoleucine 1624 with valine.
Molecular consequence: missense variant.
Genome position (GRCh38, 1-based): chr17:31,325,854, A>G. VCF-style: chr17-31325854-A-G. GRCh37 (hg19) VCF-style: chr17-29652872-A-G.
Other names: c.4807A>G, p.Ile1603Val (NM_000267.4); short protein forms I1603V, I1624V.
Identifiers: ClinVar variation 485968 (VCV000485968.15), dbSNP rs1555533280, ClinGen allele CA399006996.
Genomic context (GRCh38, chr17:31,325,854, plus strand): 5'-TTTGTCTTTTTTGTCATTTTCCTTAGGTTCAAAACTGGTCAAATCAATGGTGATTTGCTG[A>G]TATACCATGTCTTACTGACTTTAAAGCCATATTATGCAAAGCCATATGAAATTGTAGTGG-3'
Protein context (NP_001035957.1, residues 1614-1634): KTGQINGDLL[Ile1624Val]YHVLLTLKPY